The following is an entry in ClinVar:

NM_002069.6(GNAI1):c.1009G>C (p.Asp337His)

Gene: GNAI1 (G protein subunit alpha i1; plus strand). Cytogenetic location: 7q21.11.
Variant type: single nucleotide variant.
Coding change: c.1009G>C on transcript NM_002069.6 (MANE Select); coding-DNA position 1009, G replaced by C.
Protein change: p.Asp337His; replaces aspartic acid 337 with histidine.
Molecular consequence: missense variant.
Genome position (GRCh38, 1-based): chr7:80,217,437, G>C. VCF-style: chr7-80217437-G-C. GRCh37 (hg19) VCF-style: chr7-79846753-G-C.
Other names: c.853G>C, p.Asp285His (NM_001256414.2); short protein forms D285H, D337H.
Identifiers: ClinVar variation 3363467 (VCV003363467.2).

ClinVar aggregate classification (germline): Uncertain significance (1 of 4 stars; one submission).

Submission:

GeneDx
Classification: Uncertain significance. Last evaluated: 2025-05-12. Review status: criteria provided, single submitter. Criteria: GeneDx Variant Classification Process June 2021. Collection method: clinical testing. Allele origin: germline.
Comment: Not observed at significant frequency in large population cohorts (gnomAD); In silico analysis supports that this missense variant has a deleterious effect on protein structure/function; Has not been previously published as pathogenic or benign to our knowledge